The following is an entry in ClinVar:

ClinVar aggregate classification (germline): Uncertain significance. Review status: criteria provided, multiple submitters, no conflicts (2 of 4 stars). 2 submissions from 2 submitters: Uncertain significance (2). Last evaluated 2025-07-16.

Conditions:
Hereditary nonpolyposis colorectal neoplasms. Identifiers: MedGen C0009405, MeSH D003123.
Hereditary cancer-predisposing syndrome. Also called: Hereditary Cancer Syndrome; Hereditary neoplastic syndrome; Neoplastic Syndromes, Hereditary; Tumor predisposition. Identifiers: Orphanet 140162, MedGen C0027672, MeSH D009386, MONDO:0015356.

Submissions (2):

Ambry Genetics
Classification: Uncertain significance for Hereditary cancer-predisposing syndrome. Last evaluated: 2025-07-16. Review status: criteria provided, single submitter. Criteria: Ambry Variant Classification Scheme 2023. Collection method: clinical testing. Allele origin: germline.
Comment: The p.G1292A variant (also known as c.3875G>C), located in coding exon 9 of the MSH6 gene, results from a G to C substitution at nucleotide position 3875. The glycine at codon 1292 is replaced by alanine, an amino acid with similar properties. This amino acid position is conserved. In addition, this alteration is predicted to be deleterious by in silico analysis. Based on the available evidence, the clinical significance of this variant remains unclear.

Labcorp Genetics (formerly Invitae), Labcorp
Classification: Uncertain significance for Hereditary nonpolyposis colorectal neoplasms. Last evaluated: 2019-03-26. Review status: criteria provided, single submitter. Criteria: Invitae Variant Classification Sherloc (09022015). Collection method: clinical testing. Allele origin: germline.
Comment: This sequence change replaces glycine with alanine at codon 1292 of the MSH6 protein (p.Gly1292Ala). The glycine residue is highly conserved and there is a small physicochemical difference between glycine and alanine. In summary, this variant is a novel missense change with uncertain impact on protein function. It has been classified as a Variant of Uncertain Significance. Algorithms developed to predict the effect of missense changes on protein structure and function (SIFT, PolyPhen-2, Align-GVGD) all suggest that this variant is likely to be disruptive, but these predictions have not been confirmed by published functional studies. This variant is not present in population databases (ExAC no frequency) and has not been reported in the literature in individuals with a MSH6-related disease.

NM_000179.3(MSH6):c.3875G>C (p.Gly1292Ala)

Gene: MSH6 (mutS homolog 6; plus strand). Cytogenetic location: 2p16.3.
Variant type: single nucleotide variant.
Coding change: c.3875G>C on transcript NM_000179.3 (MANE Select); coding-DNA position 3875, G replaced by C.
Protein change: p.Gly1292Ala; replaces glycine 1292 with alanine.
Molecular consequence: missense variant.
Genome position (GRCh38, 1-based): chr2:47,806,525, G>C. VCF-style: chr2-47806525-G-C. GRCh37 (hg19) VCF-style: chr2-48033664-G-C.
Other names: c.3485G>C, p.Gly1162Ala (NM_001281492.2); c.2969G>C, p.Gly990Ala (NM_001281493.2, NM_001281494.2); short protein forms G1292A, G1162A, G990A.
Identifiers: ClinVar variation 455302 (VCV000455302.12), dbSNP rs1553333492, ClinGen allele CA346761368.
Genomic context (GRCh38, chr2:47,806,525, plus strand): 5'-AAAATGAATGTGAAGACCCCAGCCAGGAGACTATTACGTTCCTCTATAAATTCATTAAGG[G>C]AGCTTGTCCTAAAAGCTATGGCTTTAATGCAGCAAGGCTTGCTAATCTCCCAGAGGAAGT-3'
Protein context (NP_000170.1, residues 1282-1302): TITFLYKFIK[Gly1292Ala]ACPKSYGFNA